The following is an entry in ClinVar:

NM_001377229.1(DISP1):c.3716T>C (p.Leu1239Pro)

Gene: DISP1 (dispatched RND transporter family member 1; plus strand). Cytogenetic location: 1q41.
Variant type: single nucleotide variant.
Coding change: c.3716T>C on transcript NM_001377229.1 (MANE Select); coding-DNA position 3716, T replaced by C.
Protein change: p.Leu1239Pro; replaces leucine 1239 with proline.
Molecular consequence: missense variant.
Genome position (GRCh38, 1-based): chr1:223,005,113, T>C. VCF-style: chr1-223005113-T-C. GRCh37 (hg19) VCF-style: chr1-223178455-T-C.
Other names: c.2987T>C, p.Leu996Pro (NM_001350630.2); c.3716T>C, p.Leu1239Pro (NM_001369594.1, NM_001377228.1, NM_032890.5); short protein forms L1239P, L996P.
Identifiers: ClinVar variation 789957 (VCV000789957.12), dbSNP rs115615723, ClinGen allele CA1409455.

ClinVar aggregate classification (germline): Benign. Review status: criteria provided, multiple submitters, no conflicts (2 of 4 stars). 3 submissions from 3 submitters: Benign (2). 1 of the submissions does not count toward it. Last evaluated 2025-10-21.

Conditions:
DISP1-related disorder. Also called: DISP1-related condition.

Allele frequency attached by ClinVar (database versions not stated): gnomAD exomes 0.00029 and 0.00077; ExAC 0.00094; gnomAD 0.00352 and 0.00375; TOPMed 0.00369; ESP Exome Variant Server 0.00408; 1000 Genomes Project 0.00419; 1000 Genomes Project 30x 0.00468.
gnomAD v4.1: 971 of 1,614,162 alleles (0.06%); highest among the groups gnomAD compares: African/African-American, 1.2%; 6 homozygotes.

Submissions (3):

Labcorp Genetics (formerly Invitae), Labcorp
Classification: Benign. Last evaluated: 2025-10-21. Review status: criteria provided, single submitter. Criteria: Invitae Variant Classification Sherloc (09022015). Collection method: clinical testing. Allele origin: germline.

Breakthrough Genomics
Classification: Benign. Review status: criteria provided, single submitter. Criteria: ACMG Guidelines, 2015. Collection method: not provided. Allele origin: germline. Inheritance: Unknown mechanism. Affected: yes.

PreventionGenetics, part of Exact Sciences
Classification: Benign for DISP1-related condition. Last evaluated: 2020-07-07. Review status: no assertion criteria provided. Collection method: clinical testing. Allele origin: germline. Not counted in ClinVar's aggregate classification.
Comment: This variant is classified as benign based on ACMG/AMP sequence variant interpretation guidelines (Richards et al. 2015 PMID: 25741868, with internal and published modifications).